The following is an entry in ClinVar:

ClinVar aggregate classification (germline): Uncertain significance. Review status: reviewed by expert panel (3 of 4 stars). 3 submissions from 3 submitters: Uncertain significance (1). 2 of the submissions do not count toward it. Last evaluated 2026-11-03.

Conditions:
Hereditary cancer-predisposing syndrome. Also called: Hereditary Cancer Syndrome; Tumor predisposition; Hereditary neoplastic syndrome; Neoplastic Syndromes, Hereditary. Identifiers: Orphanet 140162, MedGen C0027672, MeSH D009386, MONDO:0015356.
DICER1-related tumor predisposition. Also called: DICER1 syndrome; DICER1-related pleuropulmonary blastoma cancer predisposition syndrome. Identifiers: Orphanet 284343, MedGen C3839822, MONDO:0100216.

Allele frequency attached by ClinVar (database versions not stated): TOPMed 0.00001; gnomAD exomes below 0.00001.
gnomAD v4.1: 5 of 1,614,132 alleles (0.00031%); highest among the groups gnomAD compares: South Asian, 0.0022%; 1 homozygote.

Submissions (3):

ClinGen DICER1 and miRNA-Processing Gene Variant Curation Expert Panel, ClinGen
Classification: Uncertain significance for DICER1-related tumor predisposition. Last evaluated: 2026-11-03. Review status: reviewed by expert panel. Criteria: ClinGen DICER1 and miRNA-Processing Gene Expert Panel Specifications to the ACMG/AMP Variant Interpretation Guidelines for DICER1 Version 1.4. Collection method: curation. Allele origin: germline. Inheritance: Autosomal dominant inheritance.
Comment: NM_177438.2(DICER1):c.5107C>T variant in DICER1 is a missense variant predicted to cause substitution of arginine by cysteine at amino acid 1703 (p.Arg1703Cys). Although this variant has been observed in individuals undergoing genetic sequencing, to our knowledge, this variant has not been reported in individuals with DICER1-related tumor predisposition (PS4 not met; Internal lab contributors). The total allele frequency in gnomAD v4.1.0 is 0.000003098 (5/1614132 alleles) with a highest population minor allele frequency of 0.00002196 (2/91074 alleles) in South Asian population (PM2_Supporting, BS1, and BA1 are not met). This variant resides within the RNase IIIb mutational hotspot domain with critical functionality as defined by the ClinGen DICER1 VCEP (PM1_Supporting; PMID: 31342592). In silico tools predict damaging impact of the variant on protein function (REVEL: 0.916) (PP3). In summary, this variant meets the criteria to be classified as Uncertain Significance for DICER1-related tumor predisposition based on the ACMG/AMP criteria applied, as specified by the ClinGen DICER1 VCEP: PM1_Supporting, PP3. (VCEP specifications version 1.4.0). Based on Tavtigian et al 2020 (PMID:32720330), the total points applied = 2 which equates to a classification of variant of uncertain significance.

Labcorp Genetics (formerly Invitae), Labcorp
Classification: Uncertain significance for DICER1-related tumor predisposition. Last evaluated: 2025-09-20. Review status: criteria provided, single submitter. Criteria: Invitae Variant Classification Sherloc (09022015). Collection method: clinical testing. Allele origin: germline. Not counted in ClinVar's aggregate classification.
Comment: This sequence change replaces arginine, which is basic and polar, with cysteine, which is neutral and slightly polar, at codon 1703 of the DICER1 protein (p.Arg1703Cys). This variant is present in population databases (no rsID available, gnomAD 0.006%), including at least one homozygous and/or hemizygous individual. This variant has not been reported in the literature in individuals affected with DICER1-related conditions. ClinVar contains an entry for this variant (Variation ID: 242130). Invitae Evidence Modeling of protein sequence and biophysical properties (such as structural, functional, and spatial information, amino acid conservation, physicochemical variation, residue mobility, and thermodynamic stability) has been performed for this missense variant. However, the output from this modeling did not meet the statistical confidence thresholds required to predict the impact of this variant on DICER1 protein function. In summary, the available evidence is currently insufficient to determine the role of this variant in disease. Therefore, it has been classified as a Variant of Uncertain Significance.

Ambry Genetics
Classification: Uncertain significance for Hereditary cancer-predisposing syndrome. Last evaluated: 2024-10-25. Review status: criteria provided, single submitter. Criteria: Ambry Variant Classification Scheme 2023. Collection method: clinical testing. Allele origin: germline. Not counted in ClinVar's aggregate classification.
Comment: The p.R1703C variant (also known as c.5107C>T), located in coding exon 23 of the DICER1 gene, results from a C to T substitution at nucleotide position 5107. The arginine at codon 1703 is replaced by cysteine, an amino acid with highly dissimilar properties. This amino acid position is highly conserved in available vertebrate species. In addition, this alteration is predicted to be deleterious by in silico analysis. Based on the available evidence, the clinical significance of this variant remains unclear.

NM_177438.3(DICER1):c.5107C>T (p.Arg1703Cys)

Gene: DICER1 (dicer 1, ribonuclease III; minus strand). Cytogenetic location: 14q32.13.
Variant type: single nucleotide variant.
Coding change: c.5107C>T on transcript NM_177438.3 (MANE Select); coding-DNA position 5107, C replaced by T.
Protein change: p.Arg1703Cys; replaces arginine 1703 with cysteine.
Molecular consequence: missense variant.
Genome position (GRCh38, 1-based): chr14:95,094,145, G>A on the plus strand (C>T on the coding strand, the complement: DICER1 is on the minus strand). VCF-style: chr14-95094145-G-A. GRCh37 (hg19) VCF-style: chr14-95560482-G-A.
Other names: NM_177438.2(DICER1):c.5107C>T; p.Arg1703Cys; c.5107C>T, p.Arg1703Cys (NM_001195573.1, NM_001271282.3, NM_001291628.2 and 1 more transcripts); short protein forms R1703C.
Identifiers: ClinVar variation 242130 (VCV000242130.21), dbSNP rs878855272, ClinGen allele CA10583187.
Genomic context (GRCh38, chr14:95,094,145, plus strand): 5'-CTTCATAAAGGTGCTTGGTTATGAGGTAGTCCAAAATCGCATCTCCCAGGAATTCTAAGC[G>A]CTGGTAACAATCTGAGGGGATCCGAAGTGGAACCGTAAGCTTGTGCAGAAGCATTTACAC-3'
Protein context (NP_803187.1, residues 1693-1713): HYNTITDCYQ[Arg1703Cys]LEFLGDAILD